The following is an entry in ClinVar:

NM_032380.5(GFM2):c.1758G>T (p.Arg586Ser)

Gene: GFM2 (GTP dependent ribosome recycling factor mitochondrial 2; minus strand). Cytogenetic location: 5q13.3.
Variant type: single nucleotide variant.
Coding change: c.1758G>T on transcript NM_032380.5 (MANE Select); coding-DNA position 1758, G replaced by T.
Protein change: p.Arg586Ser; replaces arginine 586 with serine.
Molecular consequence: missense variant. On other transcripts: non-coding transcript variant (1).
Genome position (GRCh38, 1-based): chr5:74,726,095, C>A on the plus strand (G>T on the coding strand, the complement: GFM2 is on the minus strand). VCF-style: chr5-74726095-C-A. GRCh37 (hg19) VCF-style: chr5-74021920-C-A.
Other names: c.1854G>T, p.Arg618Ser (NM_001281302.2); c.1617G>T, p.Arg539Ser (NM_170691.3); short protein forms R539S, R586S, R618S.
Identifiers: ClinVar variation 1485060 (VCV001485060.6), dbSNP rs767624997, ClinGen allele CA3306436.

ClinVar aggregate classification (germline): Uncertain significance (1 of 4 stars; one submission).

Allele frequency attached by ClinVar (database versions not stated): gnomAD exomes below 0.00001; ExAC 0.00001.
gnomAD v4.1: 6 of 1,610,142 alleles (0.00037%); highest among the groups gnomAD compares: South Asian, 0.0022%; no homozygotes.

Submission:

Labcorp Genetics (formerly Invitae), Labcorp
Classification: Uncertain significance. Last evaluated: 2022-06-05. Review status: criteria provided, single submitter. Criteria: Invitae Variant Classification Sherloc (09022015). Collection method: clinical testing. Allele origin: germline.
Comment: This sequence change replaces arginine, which is basic and polar, with serine, which is neutral and polar, at codon 586 of the GFM2 protein (p.Arg586Ser). In summary, the available evidence is currently insufficient to determine the role of this variant in disease. Therefore, it has been classified as a Variant of Uncertain Significance. Algorithms developed to predict the effect of missense changes on protein structure and function are either unavailable or do not agree on the potential impact of this missense change (SIFT: "Deleterious"; PolyPhen-2: "Possibly Damaging"; Align-GVGD: "Class C0"). ClinVar contains an entry for this variant (Variation ID: 1485060). This variant has not been reported in the literature in individuals affected with GFM2-related conditions. This variant is not present in population databases (gnomAD no frequency).